The following is an entry in ClinVar:

ClinVar aggregate classification (germline): Uncertain significance. Review status: criteria provided, multiple submitters, no conflicts (2 of 4 stars). 2 submissions from 2 submitters: Uncertain significance (2). Last evaluated 2024-11-13.

gnomAD v4.1: 1 of 1,613,666 alleles (0.000062%); highest among the groups gnomAD compares: Non-Finnish European, 0.000085%; no homozygotes.

Submissions (2):

Labcorp Genetics (formerly Invitae), Labcorp
Classification: Uncertain significance. Last evaluated: 2024-11-13. Review status: criteria provided, single submitter. Criteria: Invitae Variant Classification Sherloc (09022015). Collection method: clinical testing. Allele origin: germline.
Comment: This sequence change replaces aspartic acid, which is acidic and polar, with asparagine, which is neutral and polar, at codon 1578 of the MYO7A protein (p.Asp1578Asn). This variant is present in population databases (no rsID available, gnomAD 0.0009%). This variant has not been reported in the literature in individuals affected with MYO7A-related conditions. ClinVar contains an entry for this variant (Variation ID: 930010). Invitae Evidence Modeling of protein sequence and biophysical properties (such as structural, functional, and spatial information, amino acid conservation, physicochemical variation, residue mobility, and thermodynamic stability) indicates that this missense variant is not expected to disrupt MYO7A protein function with a negative predictive value of 95%. In summary, the available evidence is currently insufficient to determine the role of this variant in disease. Therefore, it has been classified as a Variant of Uncertain Significance.

Laboratory for Molecular Medicine, Mass General Brigham Personalized Medicine
Classification: Uncertain significance. Last evaluated: 2020-04-02. Review status: criteria provided, single submitter. Criteria: LMM Criteria. Collection method: clinical testing. Allele origin: germline. Observed: 1 variant allele.
Comment: The p.Asp1578Asn variant in MYO7A has not been previously reported in individuals with hearing loss or Usher syndrome, but has been identified in 0.0008% (1/112404) of European chromosomes by gnomAD. Computational prediction tools and conservation analysis suggest that this variant may impact the protein, though this information is not predictive enough to determine pathogenicity. In summary, the clinical significance of this variant is uncertain. ACMG/AMP Criteria applied: PM2, PP3.

NM_000260.4(MYO7A):c.4732G>A (p.Asp1578Asn)

Gene: MYO7A (myosin VIIA; plus strand). Cytogenetic location: 11q13.5.
Variant type: single nucleotide variant.
Coding change: c.4732G>A on transcript NM_000260.4 (MANE Select); coding-DNA position 4732, G replaced by A.
Protein change: p.Asp1578Asn; replaces aspartic acid 1578 with asparagine.
Molecular consequence: missense variant.
Genome position (GRCh38, 1-based): chr11:77,199,698, G>A. VCF-style: chr11-77199698-G-A. GRCh37 (hg19) VCF-style: chr11-76910743-G-A.
Other names: c.4618G>A, p.Asp1540Asn (NM_001127180.2); c.4585G>A, p.Asp1529Asn (NM_001369365.1); short protein forms D1578N, D1529N, D1540N.
Identifiers: ClinVar variation 930010 (VCV000930010.6), dbSNP rs778007315, ClinGen allele CA381950814.
Genomic context (GRCh38, chr11:77,199,698, plus strand): 5'-TGGTCCTGCAGGGGAGCGAAAACGACGGCCCCCAGCTTCACGCTGGCCACCATCAAGGGG[G>A]ACGAATACACCTTCACCTCCAGCAATGCTGAGGACATTCGTGACCTGGTGGTCACCTTCC-3'
Protein context (NP_000251.3, residues 1568-1588): PSFTLATIKG[Asp1578Asn]EYTFTSSNAE